The following is an entry in ClinVar:

NM_198965.2(PTHLH):c.287G>T (p.Gly96Val)

Gene: PTHLH (parathyroid hormone like hormone; minus strand). Cytogenetic location: 12p11.22.
Variant type: single nucleotide variant.
Coding change: c.287G>T on transcript NM_198965.2 (MANE Select); coding-DNA position 287, G replaced by T.
Protein change: p.Gly96Val; replaces glycine 96 with valine.
Molecular consequence: missense variant.
Genome position (GRCh38, 1-based): chr12:27,963,585, C>A on the plus strand (G>T on the coding strand, the complement: PTHLH is on the minus strand). VCF-style: chr12-27963585-C-A. GRCh37 (hg19) VCF-style: chr12-28116518-C-A.
Other names: c.287G>T, p.Gly96Val (NM_002820.3, NM_198964.2, NM_198966.2); short protein forms G96V.
Identifiers: ClinVar variation 2993619 (VCV002993619.3), dbSNP rs751930749, ClinGen allele CA6494932.

ClinVar aggregate classification (germline): Uncertain significance (1 of 4 stars; one submission).

Allele frequency attached by ClinVar (database versions not stated): gnomAD exomes below 0.00001; ExAC 0.00001; gnomAD 0.00001.

Submission:

Labcorp Genetics (formerly Invitae), Labcorp
Classification: Uncertain significance. Last evaluated: 2023-05-19. Review status: criteria provided, single submitter. Criteria: Invitae Variant Classification Sherloc (09022015). Collection method: clinical testing. Allele origin: germline.
Comment: This variant is present in population databases (rs751930749, gnomAD 0.0009%). In summary, the available evidence is currently insufficient to determine the role of this variant in disease. Therefore, it has been classified as a Variant of Uncertain Significance. An algorithm developed to predict the effect of missense changes on protein structure and function (PolyPhen-2) suggests that this variant is likely to be disruptive. This variant has not been reported in the literature in individuals affected with PTHLH-related conditions. This sequence change replaces glycine, which is neutral and non-polar, with valine, which is neutral and non-polar, at codon 96 of the PTHLH protein (p.Gly96Val).